The following is an entry in ClinVar:

NM_014956.5(CEP164):c.3355_3356inv (p.Gln1119Trp)

Gene: CEP164 (centrosomal protein 164; plus strand). Cytogenetic location: 11q23.3.
Variant type: Inversion.
Coding change: c.3355_3356inv on transcript NM_014956.5 (MANE Select).
Protein change: p.Gln1119Trp; replaces glutamine 1119 with tryptophan.
Molecular consequence: missense variant.
Genome position: GRCh38 VCF-style: chr11-117397167-CA-TG. GRCh37 (hg19) VCF-style: chr11-117267883-CA-TG.
Other names: c.3364_3365inv, p.Gln1122Trp (NM_001271933.2); c.3355_3356delinsTG (NM_014956.4); short protein forms Q1122W, Q1119W.
Identifiers: ClinVar variation 2140930 (VCV002140930.2), ClinGen allele CA2580083508.

ClinVar aggregate classification (germline): Uncertain significance. Review status: criteria provided, multiple submitters, no conflicts (2 of 4 stars). 2 submissions from 2 submitters: Uncertain significance (2). Last evaluated 2025-09-11.

Conditions:
CEP164-related disorder. Also called: CEP164-related condition.
Nephronophthisis 15 (NPHP15). Identifiers: Orphanet 3156, MedGen C3541853, MONDO:0013917, OMIM 614845.

Submissions (2):

PreventionGenetics, part of Exact Sciences
Classification: Uncertain significance for CEP164-related condition. Last evaluated: 2025-09-11. Review status: criteria provided, single submitter. Criteria: ACMG Guidelines, 2015. Collection method: clinical testing. Allele origin: germline.
Comment: The CEP164 c.3355_3356delinsTG variant is predicted to result in an in-frame deletion and insertion. To our knowledge, this variant has not been reported in the literature or in a large population database (gnomAD), indicating this variant is rare. At this time, the clinical significance of this variant is uncertain due to the absence of conclusive functional and genetic evidence.

Labcorp Genetics (formerly Invitae), Labcorp
Classification: Uncertain significance for Nephronophthisis 15. Last evaluated: 2022-06-17. Review status: criteria provided, single submitter. Criteria: Invitae Variant Classification Sherloc (09022015). Collection method: clinical testing. Allele origin: germline.
Comment: This sequence change replaces glutamine, which is neutral and polar, with tryptophan, which is neutral and slightly polar, at codon 1119 of the CEP164 protein (p.Gln1119Trp). The frequency data for this variant in the population databases is considered unreliable, as metrics indicate poor data quality at this position in the gnomAD database. This variant has not been reported in the literature in individuals affected with CEP164-related conditions. Algorithms developed to predict the effect of missense changes on protein structure and function are either unavailable or do not agree on the potential impact of this missense change (SIFT: "Not Available"; PolyPhen-2: "Possibly Damaging"; Align-GVGD: "Not Available"). In summary, the available evidence is currently insufficient to determine the role of this variant in disease. Therefore, it has been classified as a Variant of Uncertain Significance.